The following is an entry in ClinVar:

ClinVar aggregate classification (germline): Uncertain significance (1 of 4 stars; one submission).

Conditions:
Cardiovascular phenotype. Identifiers: MedGen CN230736.

Submission:

Ambry Genetics
Classification: Uncertain significance for Cardiovascular phenotype. Last evaluated: 2025-11-17. Review status: criteria provided, single submitter. Criteria: Ambry Variant Classification Scheme 2023. Collection method: clinical testing. Allele origin: germline.
Comment: The p.K2454Q variant (also known as c.7360A>C), located in coding exon 8 of the ALMS1 gene, results from an A to C substitution at nucleotide position 7360. The lysine at codon 2454 is replaced by glutamine, an amino acid with similar properties. This amino acid position is not well conserved in available vertebrate species. In addition, this alteration is predicted to be tolerated by in silico analysis. Based on the available evidence, the clinical significance of this variant remains unclear.

NM_001378454.1(ALMS1):c.7357A>C (p.Lys2453Gln)

Gene: ALMS1 (ALMS1 centrosome and basal body associated protein; plus strand). Cytogenetic location: 2p13.1.
Variant type: single nucleotide variant.
Coding change: c.7357A>C on transcript NM_001378454.1 (MANE Select); coding-DNA position 7357, A replaced by C.
Protein change: p.Lys2453Gln; replaces lysine 2453 with glutamine.
Molecular consequence: missense variant.
Genome position (GRCh38, 1-based): chr2:73,453,884, A>C. VCF-style: chr2-73453884-A-C. GRCh37 (hg19) VCF-style: chr2-73681011-A-C.
Other names: c.7360A>C, p.Lys2454Gln (NM_015120.4); short protein forms K2454Q, K2453Q.
Identifiers: ClinVar variation 4613478 (VCV004613478.1).